The following is an entry in ClinVar:

NC_000016.10:g.75556262T>C

Gene: TMEM231 (transmembrane protein 231; minus strand). Cytogenetic location: 16q23.1.
Variant type: single nucleotide variant.
Molecular consequence: missense variant (on NM_001077416.2).
Genome position: GRCh38 VCF-style: chr16-75556262-T-C. GRCh37 (hg19) VCF-style: chr16-75590160-T-C.
Other names: c.10A>G, p.Arg4Gly (NM_001077416.2); short protein forms R4G.
Identifiers: ClinVar variation 657708 (VCV000657708.8), dbSNP rs1176007249, ClinGen allele CA915949349.

ClinVar aggregate classification (germline): Uncertain significance (1 of 4 stars; one submission).

Conditions:
Joubert syndrome 20 (JBTS20). Identifiers: Orphanet 475, MedGen C3554235, MONDO:0013994, OMIM 614970.
Meckel syndrome, type 11 (MKS11). Identifiers: Orphanet 564, MedGen C3809352, MONDO:0014164, OMIM 615397.

Allele frequency attached by ClinVar (database versions not stated): gnomAD exomes below 0.00001.
gnomAD v4.1: 1 of 1,381,738 alleles (0.000072%); highest among the groups gnomAD compares: Middle Eastern, 0.019%; no homozygotes.

Submission:

Labcorp Genetics (formerly Invitae), Labcorp
Classification: Uncertain significance for Joubert syndrome 20; Meckel syndrome, type 11. Last evaluated: 2018-11-05. Review status: criteria provided, single submitter. Criteria: Invitae Variant Classification Sherloc (09022015). Collection method: clinical testing. Allele origin: germline.
Comment: In summary, the available evidence is currently insufficient to determine the role of this variant in disease. Therefore, it has been classified as a Variant of Uncertain Significance. Algorithms developed to predict the effect of missense changes on protein structure and function are either unavailable or do not agree on the potential impact of this missense change (SIFT: "NA"; PolyPhen-2: "Not Available"; Align-GVGD: "Class C0"). This variant has not been reported in the literature in individuals with TMEM231-related disease. This variant is not present in population databases (ExAC no frequency). This sequence change replaces arginine with glycine at codon 4 of the TMEM231 protein (p.Arg4Gly). The arginine residue is weakly conserved and there is a moderate physicochemical difference between arginine and glycine.